The following is an entry in ClinVar:

ClinVar aggregate classification (germline): Conflicting classifications of pathogenicity. Review status: criteria provided, conflicting classifications (1 of 4 stars). 4 submissions from 4 submitters: Uncertain significance (1); Likely benign (3). Last evaluated 2026-01-01.

Conditions:
Long QT syndrome (LQTS). Identifiers: MedGen C0023976, MeSH D008133, MONDO:0002442. Disease mechanism: loss of function. Inheritance: Various modes of inheritance.
Cardiovascular phenotype. Identifiers: MedGen CN230736.

gnomAD v4.1: 1 of 1,607,640 alleles (0.000062%); highest among the groups gnomAD compares: Admixed American, 0.0017%; no homozygotes.

Submissions (4):

CeGaT Center for Human Genetics Tuebingen
Classification: Uncertain significance. Last evaluated: 2026-01-01. Review status: criteria provided, single submitter. Criteria: CeGaT Center For Human Genetics Tuebingen Variant Classification Criteria Version 2. Collection method: clinical testing. Allele origin: germline. Affected: yes. Observed: 1 variant allele.
Comment: CACNA1C: PM2, BP4

Labcorp Genetics (formerly Invitae), Labcorp
Classification: Likely benign for Long QT syndrome. Last evaluated: 2024-06-01. Review status: criteria provided, single submitter. Criteria: Invitae Variant Classification Sherloc (09022015). Collection method: clinical testing. Allele origin: germline.

Ambry Genetics
Classification: Likely benign for Cardiovascular phenotype. Last evaluated: 2022-12-01. Review status: criteria provided, single submitter. Criteria: Ambry Variant Classification Scheme 2023. Collection method: clinical testing. Allele origin: germline.

Women's Health and Genetics/Laboratory Corporation of America, LabCorp
Classification: Likely benign. Last evaluated: 2019-08-28. Review status: criteria provided, single submitter. Criteria: LabCorp Variant Classification Summary - May 2015. Collection method: clinical testing. Allele origin: germline.

NM_000719.7(CACNA1C):c.2229C>T (p.Ile743=)

Gene: CACNA1C (calcium voltage-gated channel subunit alpha1 C; plus strand). Cytogenetic location: 12p13.33.
Variant type: single nucleotide variant.
Coding change: c.2229C>T on transcript NM_000719.7 (MANE Select); coding-DNA position 2229, C replaced by T.
Protein change: p.Ile743=; no amino-acid change (isoleucine 743 retained).
Molecular consequence: synonymous variant.
Genome position (GRCh38, 1-based): chr12:2,584,507, C>T. VCF-style: chr12-2584507-C-T. GRCh37 (hg19) VCF-style: chr12-2693673-C-T.
Other names: c.2229C>T, p.Ile743= (NM_001129827.2, NM_001129829.2, NM_001129830.3 and 18 more transcripts); c.2220C>T, p.Ile740= (NM_001129844.2).
Identifiers: ClinVar variation 496071 (VCV000496071.10), dbSNP rs759734767, ClinGen allele CA477884505.